The following is an entry in ClinVar:

ClinVar aggregate classification (germline): Uncertain significance (1 of 4 stars; one submission).

Submission:

Labcorp Genetics (formerly Invitae), Labcorp
Classification: Uncertain significance. Last evaluated: 2021-12-13. Review status: criteria provided, single submitter. Criteria: Invitae Variant Classification Sherloc (09022015). Collection method: clinical testing. Allele origin: germline.
Comment: In summary, the available evidence is currently insufficient to determine the role of this variant in disease. Therefore, it has been classified as a Variant of Uncertain Significance. Algorithms developed to predict the effect of missense changes on protein structure and function are either unavailable or do not agree on the potential impact of this missense change (SIFT: "Tolerated"; PolyPhen-2: "Not Available"; Align-GVGD: "Class C0"). This variant has not been reported in the literature in individuals affected with FBXO11-related conditions. This variant is not present in population databases (gnomAD no frequency). This sequence change replaces arginine, which is basic and polar, with glutamine, which is neutral and polar, at codon 9 of the FBXO11 protein (p.Arg9Gln).

NM_001190274.2(FBXO11):c.26G>A (p.Arg9Gln)

Genes: FBXO11 (F-box protein 11; minus strand), LOC100506235 (uncharacterized LOC100506235; plus strand). Cytogenetic location: 2p16.3.
Variant type: single nucleotide variant.
Coding change: c.26G>A on transcript NM_001190274.2 (MANE Select); coding-DNA position 26, G replaced by A.
Protein change: p.Arg9Gln; replaces arginine 9 with glutamine.
Molecular consequence: missense variant.
Genome position (GRCh38, 1-based): chr2:47,905,695, C>T on the plus strand (G>A on the coding strand, the complement: FBXO11 is on the minus strand). VCF-style: chr2-47905695-C-T. GRCh37 (hg19) VCF-style: chr2-48132834-C-T.
Other names: short protein forms R9Q.
Identifiers: ClinVar variation 2041280 (VCV002041280.4), dbSNP rs1203699595, ClinGen allele CA346813146.